The following is an entry in ClinVar:

NM_000116.5(TAFAZZIN):c.748G>A (p.Glu250Lys)

Gene: TAFAZZIN (tafazzin, phospholipid-lysophospholipid transacylase; plus strand). Cytogenetic location: Xq28.
Variant type: single nucleotide variant.
Coding change: c.748G>A on transcript NM_000116.5 (MANE Select); coding-DNA position 748, G replaced by A.
Protein change: p.Glu250Lys; replaces glutamic acid 250 with lysine.
Molecular consequence: missense variant. On other transcripts: non-coding transcript variant (1).
Genome position (GRCh38, 1-based): chrX:154,420,706, G>A. VCF-style: chrX-154420706-G-A. GRCh37 (hg19) VCF-style: chrX-153649045-G-A.
Other names: c.760G>A, p.Glu254Lys (NM_001303465.2); c.712G>A, p.Glu238Lys (NM_001410698.1); c.802G>A, p.Glu268Lys (NM_001440856.1); c.670G>A, p.Glu224Lys (NM_001440857.1); c.535G>A, p.Glu179Lys (NM_001440858.1); c.658G>A, p.Glu220Lys (NM_181311.4); c.706G>A, p.Glu236Lys (NM_181312.4); c.616G>A, p.Glu206Lys (NM_181313.4); short protein forms E206K, E238K, E254K, E268K, E179K, E220K, E236K, E224K.
Identifiers: ClinVar variation 4746210 (VCV004746210.2).

ClinVar aggregate classification (germline): Uncertain significance. Review status: criteria provided, multiple submitters, no conflicts (2 of 4 stars). 2 submissions from 2 submitters: Uncertain significance (2). Last evaluated 2026-01-06.

Conditions:
3-Methylglutaconic aciduria type 2 (BTHS). Also called: CARDIOSKELETAL MYOPATHY WITH NEUTROPENIA AND ABNORMAL MITOCHONDRIA; Barth syndrome. Identifiers: Orphanet 111, MedGen C0574083, MONDO:0010543, OMIM 302060.

gnomAD v4.1: 5 of 1,209,078 alleles (0.00041%); highest among the groups gnomAD compares: Admixed American, 0.0022%; no homozygotes.

Submissions (2):

Labcorp Genetics (formerly Invitae), Labcorp
Classification: Uncertain significance for 3-Methylglutaconic aciduria type 2. Last evaluated: 2026-01-06. Review status: criteria provided, single submitter. Criteria: Invitae Variant Classification Sherloc (09022015). Collection method: clinical testing. Allele origin: germline.
Comment: This sequence change replaces glutamic acid, which is acidic and polar, with lysine, which is basic and polar, at codon 250 of the TAZ protein (p.Glu250Lys). This variant is present in population databases (no rsID available, gnomAD 0.006%). This variant has not been reported in the literature in individuals affected with TAZ-related conditions. Experimental studies and prediction algorithms are not available or were not evaluated, and the functional significance of this variant is currently unknown. In summary, the available evidence is currently insufficient to determine the role of this variant in disease. Therefore, it has been classified as a Variant of Uncertain Significance.

Blueprint Genetics
Classification: Uncertain significance. Last evaluated: 2024-05-08. Review status: criteria provided, single submitter. Criteria: ACMG Guidelines, 2015. Collection method: clinical testing. Allele origin: germline.